The following is an entry in ClinVar:

ClinVar aggregate classification (germline): Pathogenic/Likely pathogenic. Review status: criteria provided, multiple submitters, no conflicts (2 of 4 stars). 2 submissions from 2 submitters: Pathogenic (1); Likely pathogenic (1). Last evaluated 2025-01-06.

Conditions:
PDE6C-related disorder. Also called: PDE6C-related condition.

Allele frequency attached by ClinVar (database versions not stated): gnomAD 0.00001; gnomAD exomes 0.00001; TOPMed 0.00001; ExAC 0.00002.
gnomAD v4.1: 19 of 1,614,058 alleles (0.0012%); highest among the groups gnomAD compares: African/African-American, 0.0013%; no homozygotes.

Submissions (2):

Labcorp Genetics (formerly Invitae), Labcorp
Classification: Pathogenic. Last evaluated: 2025-01-06. Review status: criteria provided, single submitter. Criteria: Invitae Variant Classification Sherloc (09022015). Collection method: clinical testing. Allele origin: germline.
Comment: This sequence change replaces arginine, which is basic and polar, with tryptophan, which is neutral and slightly polar, at codon 104 of the PDE6C protein (p.Arg104Trp). This variant is present in population databases (rs769506319, gnomAD 0.004%). This missense change has been observed in individual(s) with achromatopsia (PMID: 21127010). It has also been observed to segregate with disease in related individuals. ClinVar contains an entry for this variant (Variation ID: 2735456). Invitae Evidence Modeling of protein sequence and biophysical properties (such as structural, functional, and spatial information, amino acid conservation, physicochemical variation, residue mobility, and thermodynamic stability) indicates that this missense variant is expected to disrupt PDE6C protein function with a positive predictive value of 95%. Experimental studies have shown that this missense change affects PDE6C function (PMID: 21127010, 28583373). This variant disrupts the p.Arg104 amino acid residue in PDE6C. Other variant(s) that disrupt this residue have been determined to be pathogenic (PMID: 31826238, 33749171, 35119454). This suggests that this residue is clinically significant, and that variants that disrupt this residue are likely to be disease-causing. For these reasons, this variant has been classified as Pathogenic.

Blueprint Genetics
Classification: Likely pathogenic for PDE6C-related disorders. Last evaluated: 2021-10-05. Review status: criteria provided, single submitter. Criteria: ACMG Guidelines, 2015. Collection method: clinical testing. Allele origin: germline. Affected: yes. Observed: 3 variant alleles.

Literature cited by the submitters: PubMed 21127010 (cited by Labcorp Genetics (formerly Invitae), Labcorp); PubMed 28583373 (cited by Labcorp Genetics (formerly Invitae), Labcorp); PubMed 31826238 (cited by Labcorp Genetics (formerly Invitae), Labcorp); PubMed 33749171 (cited by Labcorp Genetics (formerly Invitae), Labcorp); PubMed 35119454 (cited by Labcorp Genetics (formerly Invitae), Labcorp).

NM_006204.4(PDE6C):c.310C>T (p.Arg104Trp)

Gene: PDE6C (phosphodiesterase 6C; plus strand). Cytogenetic location: 10q23.33.
Variant type: single nucleotide variant.
Coding change: c.310C>T on transcript NM_006204.4 (MANE Select); coding-DNA position 310, C replaced by T.
Protein change: p.Arg104Trp; replaces arginine 104 with tryptophan.
Molecular consequence: missense variant.
Genome position (GRCh38, 1-based): chr10:93,613,035, C>T. VCF-style: chr10-93613035-C-T. GRCh37 (hg19) VCF-style: chr10-95372792-C-T.
Other names: short protein forms R104W.
Identifiers: ClinVar variation 2735456 (VCV002735456.4), dbSNP rs769506319, ClinGen allele CA5609806.
Genomic context (GRCh38, chr10:93,613,035, plus strand): 5'-CTGCAGAGGCTGGCCCACCTGCTCCAGGCTGACCGCTGCAGCATGTTCCTGTGCCGGTCC[C>T]GGAACGGCATACCTGAGGTGGCCTCTAGGTTGCTGGATGTCACCCCCACCTCCAAGTTTG-3'
Protein context (NP_006195.3, residues 94-114): DRCSMFLCRS[Arg104Trp]NGIPEVASRL